The following is an entry in ClinVar:

NM_001127898.4(CLCN5):c.1014+1G>A

Gene: CLCN5 (Cl-/H+ antiporter 5; plus strand). Cytogenetic location: Xp11.23.
Variant type: single nucleotide variant.
Coding change: c.1014+1G>A on transcript NM_001127898.4 (MANE Select); the canonical splice donor site of the intron after coding-DNA position 1014, G replaced by A.
Molecular consequence: splice donor variant.
Genome position (GRCh38, 1-based): chrX:50,086,061, G>A. VCF-style: chrX-50086061-G-A. GRCh37 (hg19) VCF-style: chrX-49850718-G-A.
Other names: c.1014+1G>A (NM_001127899.4); c.804+1G>A (NM_000084.5); c.864+1G>A (NM_001282163.2).
Identifiers: ClinVar variation 1334562 (VCV001334562.5), dbSNP rs2147594243, ClinGen allele CA413184993.
Genomic context (GRCh38, chrX:50,086,061, plus strand): 5'-GCTGGTGTATCTGTAGCCTTTGGAGCACCTATAGGTGGAGTATTATTCAGCCTTGAAGAG[G>A]TAACAACTTTTCATTGTACAGCATGTGCATGCTTTTGTGTCAGGAATTTTGTACATTGCA-3'

ClinVar aggregate classification (germline): Pathogenic/Likely pathogenic. Review status: criteria provided, multiple submitters, no conflicts (2 of 4 stars). 2 submissions from 2 submitters: Pathogenic (1); Likely pathogenic (1). Last evaluated 2024-09-24.

Conditions:
X-linked recessive nephrolithiasis with renal failure (XRN). Also called: NEPHROLITHIASIS 1; NEPHROLITHIASIS, X-LINKED RECESSIVE, TYPE 1; UROLITHIASIS, X-LINKED RECESSIVE, TYPE 1. Identifiers: Orphanet 1652, Orphanet 93622, MedGen C0403720, MONDO:0010687, OMIM 310468.
Dent disease type 1 (DENT1). Also called: NEPHROLITHIASIS 2; NEPHROLITHIASIS, HYPERCALCIURIC, X-LINKED. Identifiers: Orphanet 1652, Orphanet 93622, MedGen C1848336, MONDO:0010225, OMIM 300009.
Hypophosphatemic rickets, X-linked recessive (XLHRR). Identifiers: Orphanet 1652, Orphanet 93622, MedGen C1845168, MONDO:0010358, OMIM 300554.
Proteinuria, low molecular weight, with hypercalciuria and nephrocalcinosis. Identifiers: Orphanet 1652, Orphanet 93622, MedGen C1839874, MONDO:0010644, OMIM 308990.

Submissions (2):

3billion
Classification: Pathogenic for X-linked recessive nephrolithiasis with renal failure. Last evaluated: 2024-09-24. Review status: criteria provided, single submitter. Criteria: ACMG Guidelines, 2015. Collection method: clinical testing. Allele origin: germline. Affected: yes.
Comment: The variant is not observed in the gnomAD v4.0.0 dataset. Predicted Consequence/Location: Canonical splice site: predicted to alter splicing and result in a loss or disruption of normal protein function. Multiple pathogenic loss-of-function variants are reported downstream of the variant. In silico tools predict the variant to alter splicing and produce an abnormal transcript [SpliceAI: 0.99 (spliceogenicity >=0.2, non-spliceogenicity <0.1)]. The variant has been reported to be associated with CLCN5-related disorder (ClinVar ID: VCV001334562). Therefore, this variant is classified as Pathogenic according to the recommendation of ACMG/AMP guideline.

Greenwood Genetic Center Diagnostic Laboratories, Greenwood Genetic Center
Classification: Likely pathogenic for Dent disease type 1; Hypophosphatemic rickets, X-linked recessive; X-linked recessive nephrolithiasis with renal failure; Proteinuria, low molecular weight, with hypercalciuria and nephrocalcinosis. Last evaluated: 2021-08-29. Review status: criteria provided, single submitter. Criteria: ACMG Guidelines, 2015. Collection method: clinical testing. Allele origin: germline. Affected: yes.
Comment: PVS1, PM2